The following is an entry in ClinVar:

ClinVar aggregate classification (germline): Uncertain significance (1 of 4 stars; one submission).

Allele frequency attached by ClinVar (database versions not stated): gnomAD exomes 0.00001.

Submission:

Labcorp Genetics (formerly Invitae), Labcorp
Classification: Uncertain significance. Last evaluated: 2025-09-08. Review status: criteria provided, single submitter. Criteria: Invitae Variant Classification Sherloc (09022015). Collection method: clinical testing. Allele origin: germline.
Comment: This sequence change replaces arginine, which is basic and polar, with cysteine, which is neutral and slightly polar, at codon 316 of the AP3B2 protein (p.Arg316Cys). The frequency data for this variant in the population databases is considered unreliable, as metrics indicate poor data quality at this position in the gnomAD database. This variant has not been reported in the literature in individuals affected with AP3B2-related conditions. ClinVar contains an entry for this variant (Variation ID: 2037901). An algorithm developed to predict the effect of missense changes on protein structure and function (PolyPhen-2) suggests that this variant is likely to be tolerated. In summary, the available evidence is currently insufficient to determine the role of this variant in disease. Therefore, it has been classified as a Variant of Uncertain Significance.

NM_001278512.2(AP3B2):c.946C>T (p.Arg316Cys)

Genes: AP3B2 (adaptor related protein complex 3 subunit beta 2; minus strand), CPEB1-AS1 (CPEB1 antisense RNA 1; plus strand). Cytogenetic location: 15q25.2.
Variant type: single nucleotide variant.
Coding change: c.946C>T on transcript NM_001278512.2 (MANE Select); coding-DNA position 946, C replaced by T.
Protein change: p.Arg316Cys; replaces arginine 316 with cysteine.
Molecular consequence: missense variant.
Genome position (GRCh38, 1-based): chr15:82,680,581, G>A on the plus strand (C>T on the coding strand, the complement: AP3B2 is on the minus strand). VCF-style: chr15-82680581-G-A. GRCh37 (hg19) VCF-style: chr15-83349333-G-A.
Other names: c.850C>T, p.Arg284Cys (NM_001278511.2); c.946C>T, p.Arg316Cys (NM_004644.5); short protein forms R284C, R316C.
Identifiers: ClinVar variation 2037901 (VCV002037901.2), dbSNP rs1284167638, ClinGen allele CA393319001.